The following is an entry in ClinVar:

ClinVar aggregate classification (germline): Uncertain significance (1 of 4 stars; one submission).

Allele frequency attached by ClinVar (database versions not stated): gnomAD 0.00011 and 0.00015; TOPMed 0.00013; 1000 Genomes Project 30x 0.00016; 1000 Genomes Project 0.00020.
gnomAD v4.1: 389 of 1,597,082 alleles (0.024%); highest among the groups gnomAD compares: South Asian, 0.053%; 1 homozygote.

Submission:

Labcorp Genetics (formerly Invitae), Labcorp
Classification: Uncertain significance. Last evaluated: 2026-01-16. Review status: criteria provided, single submitter. Criteria: Invitae Variant Classification Sherloc (09022015). Collection method: clinical testing. Allele origin: germline.
Comment: This sequence change replaces arginine, which is basic and polar, with cysteine, which is neutral and slightly polar, at codon 699 of the ITGAM protein (p.Arg699Cys). This variant is present in population databases (rs538515225, gnomAD 0.03%). This variant has not been reported in the literature in individuals affected with ITGAM-related conditions. ClinVar contains an entry for this variant (Variation ID: 1430703). An algorithm developed to predict the effect of missense changes on protein structure and function outputs the following: PolyPhen-2: "Benign". The cysteine amino acid residue is found in multiple mammalian species, which suggests that this missense change does not adversely affect protein function. In summary, the available evidence is currently insufficient to determine the role of this variant in disease. Therefore, it has been classified as a Variant of Uncertain Significance.

NM_000632.4(ITGAM):c.2095C>T (p.Arg699Cys)

Gene: ITGAM (integrin subunit alpha M; plus strand). Cytogenetic location: 16p11.2.
Variant type: single nucleotide variant.
Coding change: c.2095C>T on transcript NM_000632.4 (MANE Select); coding-DNA position 2095, C replaced by T.
Protein change: p.Arg699Cys; replaces arginine 699 with cysteine.
Molecular consequence: missense variant.
Genome position (GRCh38, 1-based): chr16:31,324,491, C>T. VCF-style: chr16-31324491-C-T. GRCh37 (hg19) VCF-style: chr16-31335812-C-T.
Other names: c.2098C>T, p.Arg700Cys (NM_001145808.2); short protein forms R699C, R700C.
Identifiers: ClinVar variation 1430703 (VCV001430703.6), dbSNP rs538515225, ClinGen allele CA8025727.
Genomic context (GRCh38, chr16:31,324,491, plus strand): 5'-GCTCTGGACTCCGGCCGCCCACATTCCCGCGCCGTCTTCAATGAGACAAAGAACAGCACA[C>T]GCAGACAGACACAGGTCTTGGGGCTGACCCAGACTTGTGAGACCCTGAAACTACAGTTGC-3'
Protein context (NP_000623.2, residues 689-709): AVFNETKNST[Arg699Cys]RQTQVLGLTQ